The following is an entry in ClinVar:

ClinVar aggregate classification (germline): Uncertain significance (1 of 4 stars; one submission).

Conditions:
Immunodeficiency, common variable, 5. Also called: ANTIBODY DEFICIENCY DUE TO CD20 DEFECT. Identifiers: Orphanet 1572, MedGen C3150740, MONDO:0013285, OMIM 613495.

Submission:

Labcorp Genetics (formerly Invitae), Labcorp
Classification: Uncertain significance. Last evaluated: 2021-07-26. Review status: criteria provided, single submitter. Criteria: Invitae Variant Classification Sherloc (09022015). Collection method: clinical testing. Allele origin: germline.
Comment: This sequence change affects a donor splice site in intron 4 of the MS4A1 gene. It is expected to disrupt RNA splicing. Variants that disrupt the donor or acceptor splice site typically lead to a loss of protein function (PMID: 16199547), however the current clinical and genetic evidence is not sufficient to establish whether loss-of-function variants in MS4A1 cause disease. In summary, the available evidence is currently insufficient to determine the role of this variant in disease. Therefore, it has been classified as a Variant of Uncertain Significance. Algorithms developed to predict the effect of sequence changes on RNA splicing suggest that this variant may disrupt the consensus splice site. This variant has not been reported in the literature in individuals affected with MS4A1-related conditions. This variant is not present in population databases (ExAC no frequency).

Literature cited by the submitters: PubMed 16199547 (cited by Labcorp Genetics (formerly Invitae), Labcorp).

NM_152866.3(MS4A1):c.279+1G>A

Gene: MS4A1 (membrane spanning 4-domains A1; plus strand). Cytogenetic location: 11q12.2.
Variant type: single nucleotide variant.
Coding change: c.279+1G>A on transcript NM_152866.3 (MANE Select); the canonical splice donor site of the intron after coding-DNA position 279, G replaced by A.
Molecular consequence: splice donor variant.
Genome position (GRCh38, 1-based): chr11:60,463,122, G>A. VCF-style: chr11-60463122-G-A. GRCh37 (hg19) VCF-style: chr11-60230595-G-A.
Other names: c.279+1G>A (NM_152867.2, NM_021950.4).
Identifiers: ClinVar variation 1370098 (VCV001370098.7), dbSNP rs2135198311, ClinGen allele CA380598707.